The following is an entry in ClinVar:

ClinVar aggregate classification (germline): Benign (1 of 4 stars; one submission).

Conditions:
Dyskeratosis congenita. Identifiers: Orphanet 1775, MedGen C0265965, MONDO:0015780.

Allele frequency attached by ClinVar (database versions not stated): gnomAD 0.00628 and 0.00670; TOPMed 0.00720; 1000 Genomes Project 0.00819; 1000 Genomes Project 30x 0.00828.

Submission:

Illumina Laboratory Services, Illumina
Classification: Benign for Dyskeratosis congenita. Last evaluated: 2018-01-12. Review status: criteria provided, single submitter. Criteria: ICSL Variant Classification Criteria 13 December 2019. Collection method: clinical testing. Allele origin: germline.
Comment: This variant was observed in the ICSL laboratory as part of a predisposition screen in an ostensibly healthy population. It had not been previously curated by ICSL or reported in the Human Gene Mutation Database (HGMD: prior to June 1st, 2018), and was therefore a candidate for classification through an automated scoring system. Utilizing variant allele frequency, disease prevalence and penetrance estimates, and inheritance mode, an automated score was calculated to assess if this variant is too frequent to cause the disease. Based on the score and internal cut-off values, a variant classified as benign is not then subjected to further curation. The score for this variant resulted in a classification of benign for this disease.

NM_025099.6(CTC1):c.*3231A>G

Gene: CTC1 (CST telomere replication complex component 1; minus strand). Cytogenetic location: 17p13.1.
Variant type: single nucleotide variant.
Coding change: c.*3231A>G on transcript NM_025099.6 (MANE Select); 3231 bases downstream of the stop codon, A replaced by G.
Molecular consequence: 3 prime UTR variant. On other transcripts: non-coding transcript variant (1).
Genome position (GRCh38, 1-based): chr17:8,224,949, T>C on the plus strand (A>G on the coding strand, the complement: CTC1 is on the minus strand). VCF-style: chr17-8224949-T-C. GRCh37 (hg19) VCF-style: chr17-8128267-T-C.
Identifiers: ClinVar variation 325985 (VCV000325985.5), dbSNP rs139845972, ClinGen allele CA10640964.